The following is an entry in ClinVar:

NM_032043.3(BRIP1):c.125G>T (p.Cys42Phe)

Gene: BRIP1 (BRCA1 interacting DNA helicase 1; minus strand). Cytogenetic location: 17q23.2.
Variant type: single nucleotide variant.
Coding change: c.125G>T on transcript NM_032043.3 (MANE Select); coding-DNA position 125, G replaced by T.
Protein change: p.Cys42Phe; replaces cysteine 42 with phenylalanine.
Molecular consequence: missense variant.
Genome position (GRCh38, 1-based): chr17:61,859,876, C>A on the plus strand (G>T on the coding strand, the complement: BRIP1 is on the minus strand). VCF-style: chr17-61859876-C-A. GRCh37 (hg19) VCF-style: chr17-59937237-C-A.
Other names: short protein forms C42F.
Identifiers: ClinVar variation 581220 (VCV000581220.12), dbSNP rs1555618423, ClinGen allele CA400485815.
Genomic context (GRCh38, chr17:61,859,876, plus strand): 5'-GCTAAAGCAGAACAAAGTAAGGCTAAGCTTTTTCCACTTCCTGTGGGACTCTCCAACAAA[C>A]AATGTTGCTTGCTGTTTAATCCTCTGAGAATCTATGAACACAGAAACCAATGAAAATAAT-3'
Protein context (NP_114432.2, residues 32-52): ILRGLNSKQH[Cys42Phe]LLESPTGSGK

ClinVar aggregate classification (germline): Uncertain significance. Review status: criteria provided, multiple submitters, no conflicts (2 of 4 stars). 2 submissions from 2 submitters: Uncertain significance (2). Last evaluated 2023-11-27.

Conditions:
Hereditary cancer-predisposing syndrome. Also called: Hereditary neoplastic syndrome; Tumor predisposition; Hereditary Cancer Syndrome; Neoplastic Syndromes, Hereditary. Identifiers: Orphanet 140162, MedGen C0027672, MeSH D009386, MONDO:0015356.
Fanconi anemia complementation group J. Also called: BRIP1-Related Fanconi Anemia. Identifiers: Orphanet 84, MedGen C1836860, MONDO:0012187, OMIM 609054.
Familial cancer of breast. Also called: hereditary breast carcinoma; BREAST CANCER, FAMILIAL; Hereditary breast cancer. Identifiers: Orphanet 227535, MedGen C0346153, MONDO:0016419, OMIM 114480. Disease mechanism: loss of function.

Submissions (2):

Labcorp Genetics (formerly Invitae), Labcorp
Classification: Uncertain significance for Familial cancer of breast; Fanconi anemia complementation group J. Last evaluated: 2023-11-27. Review status: criteria provided, single submitter. Criteria: Invitae Variant Classification Sherloc (09022015). Collection method: clinical testing. Allele origin: germline.
Comment: This sequence change replaces cysteine, which is neutral and slightly polar, with phenylalanine, which is neutral and non-polar, at codon 42 of the BRIP1 protein (p.Cys42Phe). This variant is not present in population databases (gnomAD no frequency). This variant has not been reported in the literature in individuals affected with BRIP1-related conditions. ClinVar contains an entry for this variant (Variation ID: 581220). Advanced modeling of protein sequence and biophysical properties (such as structural, functional, and spatial information, amino acid conservation, physicochemical variation, residue mobility, and thermodynamic stability) performed at Invitae indicates that this missense variant is expected to disrupt BRIP1 protein function with a positive predictive value of 80%. In summary, the available evidence is currently insufficient to determine the role of this variant in disease. Therefore, it has been classified as a Variant of Uncertain Significance.

Ambry Genetics
Classification: Uncertain significance for Hereditary cancer-predisposing syndrome. Last evaluated: 2021-01-29. Review status: criteria provided, single submitter. Criteria: Ambry Variant Classification Scheme 2023. Collection method: clinical testing. Allele origin: germline.
Comment: The p.C42F variant (also known as c.125G>T), located in coding exon 2 of the BRIP1 gene, results from a G to T substitution at nucleotide position 125. The cysteine at codon 42 is replaced by phenylalanine, an amino acid with highly dissimilar properties. This amino acid position is highly conserved in available vertebrate species. In addition, this alteration is predicted to be deleterious by in silico analysis. Since supporting evidence is limited at this time, the clinical significance of this alteration remains unclear.